The following is an entry in ClinVar:

NM_003482.4(KMT2D):c.1672C>T (p.Pro558Ser)

Gene: KMT2D (lysine methyltransferase 2D; minus strand). Cytogenetic location: 12q13.12.
Variant type: single nucleotide variant.
Coding change: c.1672C>T on transcript NM_003482.4 (MANE Select); coding-DNA position 1672, C replaced by T.
Protein change: p.Pro558Ser; replaces proline 558 with serine.
Molecular consequence: missense variant.
Genome position (GRCh38, 1-based): chr12:49,052,011, G>A on the plus strand (C>T on the coding strand, the complement: KMT2D is on the minus strand). VCF-style: chr12-49052011-G-A. GRCh37 (hg19) VCF-style: chr12-49445794-G-A.
Other names: short protein forms P558S.
Identifiers: ClinVar variation 134663 (VCV000134663.8), dbSNP rs587778451, ClinGen allele CA160487.

ClinVar aggregate classification (germline): Benign. Review status: criteria provided, single submitter (1 of 4 stars). 2 submissions from 2 submitters: Benign (1). 1 of the submissions does not count toward it. Last evaluated 2023-09-06.

Conditions:
Kabuki syndrome. Also called: NIIKAWA-KUROKI SYNDROME; Kabuki make-up syndrome. Identifiers: Orphanet 2322, MedGen C0796004, MONDO:0016512.

Allele frequency attached by ClinVar (database versions not stated): gnomAD exomes 0.00001; TOPMed 0.00001; gnomAD 0.00004.
gnomAD v4.1: 9 of 1,613,408 alleles (0.00056%); highest among the groups gnomAD compares: Admixed American, 0.012%; no homozygotes.

Submissions (2):

Labcorp Genetics (formerly Invitae), Labcorp
Classification: Benign for Kabuki syndrome. Last evaluated: 2023-09-06. Review status: criteria provided, single submitter. Criteria: Invitae Variant Classification Sherloc (09022015). Collection method: clinical testing. Allele origin: germline.

ITMI
No classification provided. Condition: AllHighlyPenetrant. Last evaluated: 2013-09-19. Review status: no classification provided. Collection method: reference population. Allele origin: germline. Not counted in ClinVar's aggregate classification.
Comment: Please see associated publication for description of ethnicities

Literature cited by the submitters: PubMed 24728327 (cited by ITMI).